The following is an entry in ClinVar:

ClinVar aggregate classification (germline): Likely benign (0 of 4 stars; one submission).

Conditions:
DNAH2-related disorder. Also called: DNAH2-related condition.

Allele frequency attached by ClinVar (database versions not stated): gnomAD 0.00025; TOPMed 0.00037; ESP Exome Variant Server 0.00054; 1000 Genomes Project 0.00080; 1000 Genomes Project 30x 0.00094.
gnomAD v4.1: 282 of 1,613,908 alleles (0.017%); highest among the groups gnomAD compares: Admixed American, 0.048%; 1 homozygote.

Submission:

PreventionGenetics, part of Exact Sciences
Classification: Likely benign for DNAH2-related condition. Last evaluated: 2019-10-02. Review status: no assertion criteria provided. Collection method: clinical testing. Allele origin: germline.
Comment: This variant is classified as likely benign based on ACMG/AMP sequence variant interpretation guidelines (Richards et al. 2015 PMID: 25741868, with internal and published modifications).

NM_020877.5(DNAH2):c.1377-9C>A

Gene: DNAH2 (dynein axonemal heavy chain 2; plus strand). Cytogenetic location: 17p13.1.
Variant type: single nucleotide variant.
Coding change: c.1377-9C>A on transcript NM_020877.5 (MANE Select); 9 bases into the intron before coding-DNA position 1377, C replaced by A.
Molecular consequence: intron variant.
Genome position (GRCh38, 1-based): chr17:7,740,411, C>A. VCF-style: chr17-7740411-C-A. GRCh37 (hg19) VCF-style: chr17-7643729-C-A.
Other names: c.1623-9C>A (NM_001303270.2).
Identifiers: ClinVar variation 3046164 (VCV003046164.2), dbSNP rs202152475, ClinGen allele CA8356132.